The following is an entry in ClinVar:

NM_006231.4(POLE):c.864T>C (p.Ala288=)

Gene: POLE (DNA polymerase epsilon, catalytic subunit; minus strand). Cytogenetic location: 12q24.33.
Variant type: single nucleotide variant.
Coding change: c.864T>C on transcript NM_006231.4 (MANE Select); coding-DNA position 864, T replaced by C.
Protein change: p.Ala288=; no amino-acid change (alanine 288 retained).
Molecular consequence: synonymous variant.
Genome position (GRCh38, 1-based): chr12:132,676,591, A>G on the plus strand (T>C on the coding strand, the complement: POLE is on the minus strand). VCF-style: chr12-132676591-A-G. GRCh37 (hg19) VCF-style: chr12-133253177-A-G.
Identifiers: ClinVar variation 540836 (VCV000540836.17), dbSNP rs761167791, ClinGen allele CA6894155.

ClinVar aggregate classification (germline): Benign/Likely benign. Review status: criteria provided, multiple submitters, no conflicts (2 of 4 stars). 4 submissions from 4 submitters: Benign (2); Likely benign (2). Last evaluated 2025-02-19.

Conditions:
Colorectal cancer, susceptibility to, 12 (CRCS12). Also called: COLORECTAL CANCER, SUSCEPTIBILITY TO, ON CHROMOSOME 12q24. Identifiers: Orphanet 220460, MedGen C3554460, MONDO:0014038, OMIM 615083.
Hereditary cancer-predisposing syndrome. Also called: Neoplastic Syndromes, Hereditary; Hereditary Cancer Syndrome; Hereditary neoplastic syndrome; Tumor predisposition. Identifiers: Orphanet 140162, MedGen C0027672, MeSH D009386, MONDO:0015356.

Allele frequency attached by ClinVar (database versions not stated): gnomAD exomes 0.00001 and 0.00002; ExAC 0.00002.
gnomAD v4.1: 9 of 1,614,026 alleles (0.00056%); highest among the groups gnomAD compares: Admixed American, 0.0083%; no homozygotes.

Submissions (4):

Labcorp Genetics (formerly Invitae), Labcorp
Classification: Likely benign. Last evaluated: 2025-02-19. Review status: criteria provided, single submitter. Criteria: Invitae Variant Classification Sherloc (09022015). Collection method: clinical testing. Allele origin: germline.

Myriad Genetics, Inc.
Classification: Benign for Colorectal cancer, susceptibility to, 12. Last evaluated: 2025-02-07. Review status: criteria provided, single submitter. Criteria: Myriad Autosomal Dominant, Autosomal Recessive and X-Linked Classification Criteria (2023). Collection method: clinical testing. Allele origin: unknown.
Comment: This variant is considered benign. This variant is a silent/synonymous amino acid change and it is not expected to impact splicing.

Quest Diagnostics Nichols Institute San Juan Capistrano
Classification: Benign. Last evaluated: 2023-02-06. Review status: criteria provided, single submitter. Criteria: Quest Diagnostics criteria. Collection method: clinical testing. Allele origin: unknown.

Ambry Genetics
Classification: Likely benign for Hereditary cancer-predisposing syndrome. Last evaluated: 2018-03-26. Review status: criteria provided, single submitter. Criteria: Ambry Variant Classification Scheme 2023. Collection method: clinical testing. Allele origin: germline.